The following is an entry in ClinVar:

ClinVar aggregate classification (germline): Uncertain significance. Review status: criteria provided, multiple submitters, no conflicts (2 of 4 stars). 3 submissions from 3 submitters: Uncertain significance (3). Last evaluated 2024-01-09.

Conditions:
Inborn genetic diseases. Identifiers: MedGen C0950123, MeSH D030342.
Pitt-Hopkins-like syndrome 2 (PTHSL2). Identifiers: Orphanet 221150, Orphanet 600663, MedGen C3280479, MONDO:0013690, OMIM 614325.

gnomAD v4.1: 2 of 1,560,040 alleles (0.00013%); highest among the groups gnomAD compares: Non-Finnish European, 0.00017%; no homozygotes.

Submissions (3):

Athena Diagnostics
Classification: Uncertain significance. Last evaluated: 2024-01-09. Review status: criteria provided, single submitter. Criteria: Athena Diagnostics Criteria. Collection method: clinical testing. Allele origin: unknown.
Comment: Available data are insufficient to determine the clinical significance of the variant at this time. This variant has not been reported in large, multi-ethnic general populations. Computational tools predict that this variant is not damaging.

Ambry Genetics
Classification: Uncertain significance for Inborn genetic diseases. Last evaluated: 2023-10-30. Review status: criteria provided, single submitter. Criteria: Ambry Variant Classification Scheme 2023. Collection method: clinical testing. Allele origin: germline.

Labcorp Genetics (formerly Invitae), Labcorp
Classification: Uncertain significance for Pitt-Hopkins-like syndrome 2. Last evaluated: 2018-08-30. Review status: criteria provided, single submitter. Criteria: Invitae Variant Classification Sherloc (09022015). Collection method: clinical testing. Allele origin: germline.
Comment: This sequence change replaces arginine with glutamine at codon 247 of the NRXN1 protein (p.Arg247Gln). The arginine residue is highly conserved and there is a small physicochemical difference between arginine and glutamine. This variant is not present in population databases (ExAC no frequency). This variant has not been reported in the literature in individuals with NRXN1-related disease. Algorithms developed to predict the effect of missense changes on protein structure and function (SIFT, PolyPhen-2, Align-GVGD) all suggest that this variant is likely to be tolerated, but these predictions have not been confirmed by published functional studies and their clinical significance is uncertain. In summary, the available evidence is currently insufficient to determine the role of this variant in disease. Therefore, it has been classified as a Variant of Uncertain Significance.

NM_001330078.2(NRXN1):c.740G>A (p.Arg247Gln)

Gene: NRXN1 (neurexin 1; minus strand). Cytogenetic location: 2p16.3.
Variant type: single nucleotide variant.
Coding change: c.740G>A on transcript NM_001330078.2 (MANE Select); coding-DNA position 740, G replaced by A.
Protein change: p.Arg247Gln; replaces arginine 247 with glutamine.
Molecular consequence: missense variant.
Genome position (GRCh38, 1-based): chr2:51,027,534, C>T on the plus strand (G>A on the coding strand, the complement: NRXN1 is on the minus strand). VCF-style: chr2-51027534-C-T. GRCh37 (hg19) VCF-style: chr2-51254672-C-T.
Other names: c.740G>A, p.Arg247Gln (NM_001135659.3, NM_001330077.2, NM_001330079.2 and 15 more transcripts); short protein forms R247Q.
Identifiers: ClinVar variation 655624 (VCV000655624.10), dbSNP rs1478221604, ClinGen allele CA346823378.